The following is an entry in ClinVar:

NM_000642.3(AGL):c.894del (p.Trp299fs)

Gene: AGL (amylo-alpha-1,6-glucosidase and 4-alpha-glucanotransferase; plus strand). Cytogenetic location: 1p21.2.
Variant type: Deletion.
Coding change: c.894del on transcript NM_000642.3 (MANE Select); coding-DNA position 894, one base deleted (C; older notation c.894delC).
Protein change: p.Trp299fs; shifts the reading frame from tryptophan 299.
Molecular consequence: frameshift variant.
Genome position (GRCh38, 1-based): chr1:99,870,805, C deleted. VCF-style (leftmost placement, unchanged base first): chr1-99870804-TC-T. GRCh37 (hg19) VCF-style: chr1-100336360-TC-T.
Other names: c.894delC, p.Trp299Glyfs (NM_000028.3, NM_000643.3, NM_000644.3 and 3 more transcripts); c.846delC, p.Trp283Glyfs (NM_000646.3); c.690delC, p.Trp231Glyfs (NM_001425328.1, NM_001425329.1); c.516delC, p.Trp173Glyfs (NM_001425332.1); short protein forms W299fs, W283fs.
Identifiers: ClinVar variation 2811201 (VCV002811201.4), dbSNP rs2524563270, ClinGen allele CA2646735106.
Genomic context (GRCh38, chr1:99,870,804, plus strand): 5'-TTGACATTTTTCAGTCCATCCGAAAAATAATTTGGGAGGATATTTTTCCAAAGCTTAAAC[TC>T]TGGGAATTTTTCCAAGTAGATGTCAACAAAGCGGTTGAGCAATTTAGAAGACTTCTTACA-3'

ClinVar aggregate classification (germline): Pathogenic. Review status: criteria provided, multiple submitters, no conflicts (2 of 4 stars). 2 submissions from 2 submitters: Pathogenic (2). Last evaluated 2024-12-29.

Conditions:
Glycogen storage disease type III (GSD3). Also called: FORBES DISEASE; Cori disease. Identifiers: Orphanet 366, MedGen C0017922, MONDO:0009291, OMIM 232400.

Allele frequency attached by ClinVar (database versions not stated): gnomAD exomes below 0.00001.

Submissions (2):

Myriad Genetics, Inc.
Classification: Pathogenic for Glycogen storage disease type III. Last evaluated: 2024-12-29. Review status: criteria provided, single submitter. Criteria: Myriad Autosomal Dominant, Autosomal Recessive and X-Linked Classification Criteria (2023). Collection method: clinical testing. Allele origin: unknown.
Comment: NM_000642.2(AGL):c.894delC(W299Gfs*6) is expected to be pathogenic in the context of glycogen storage disease type III. This variant is predicted to lead to an abnormal or absent protein product due to the creation of a premature termination codon in AGL, a gene where loss-of-function variants are known to be pathogenic. Please note: this variant was assessed in the context of healthy population screening.

Labcorp Genetics (formerly Invitae), Labcorp
Classification: Pathogenic for Glycogen storage disease type III. Last evaluated: 2022-11-01. Review status: criteria provided, single submitter. Criteria: Invitae Variant Classification Sherloc (09022015). Collection method: clinical testing. Allele origin: germline.
Comment: This sequence change creates a premature translational stop signal (p.Trp299Glyfs*6) in the AGL gene. It is expected to result in an absent or disrupted protein product. Loss-of-function variants in AGL are known to be pathogenic (PMID: 19299494). This variant is not present in population databases (gnomAD no frequency). This variant has not been reported in the literature in individuals affected with AGL-related conditions. For these reasons, this variant has been classified as Pathogenic.

Literature cited by the submitters: PubMed 19299494 (cited by Labcorp Genetics (formerly Invitae), Labcorp).